The following is an entry in ClinVar:

ClinVar aggregate classification (germline): Uncertain significance. Review status: criteria provided, multiple submitters, no conflicts (2 of 4 stars). 2 submissions from 2 submitters: Uncertain significance (2). Last evaluated 2024-04-08.

Conditions:
Developmental and epileptic encephalopathy, 34 (DEE34). Also called: Early infantile epileptic encephalopathy 34; SLC12A5-Related Epilepsy of Infancy with Migrating Focal Seizures. Identifiers: Orphanet 293181, MedGen C4225257, MONDO:0014718, OMIM 616645.

Allele frequency attached by ClinVar (database versions not stated): gnomAD exomes 0.00001; gnomAD 0.00002; TOPMed 0.00003; ESP Exome Variant Server 0.00008.
gnomAD v4.1: 23 of 1,614,052 alleles (0.0014%); highest among the groups gnomAD compares: Non-Finnish European, 0.0019%; no homozygotes.

Submissions (2):

Women's Health and Genetics/Laboratory Corporation of America, LabCorp
Classification: Uncertain significance. Last evaluated: 2024-04-08. Review status: criteria provided, single submitter. Criteria: LabCorp Variant Classification Summary - May 2015. Collection method: clinical testing. Allele origin: germline.
Comment: Variant summary: SLC12A5 c.3211C>T (p.Arg1071Trp) results in a non-conservative amino acid change located in the SLC12A transporter, C-terminal domain (IPR018491) of the encoded protein sequence. Three of five in-silico tools predict a damaging effect of the variant on protein function. The variant was absent in 251302 control chromosomes (gnomAD). The available data on variant occurrences in the general population are insufficient to allow any conclusion about variant significance. To our knowledge, no occurrence of c.3211C>T in individuals affected with Developmental And Epileptic Encephalopathy, 34 and no experimental evidence demonstrating its impact on protein function have been reported. ClinVar contains an entry for this variant (Variation ID: 640903). Based on the evidence outlined above, the variant was classified as uncertain significance.

Labcorp Genetics (formerly Invitae), Labcorp
Classification: Uncertain significance for Developmental and epileptic encephalopathy, 34. Last evaluated: 2022-07-22. Review status: criteria provided, single submitter. Criteria: Invitae Variant Classification Sherloc (09022015). Collection method: clinical testing. Allele origin: germline.
Comment: This variant has not been reported in the literature in individuals affected with SLC12A5-related conditions. In summary, the available evidence is currently insufficient to determine the role of this variant in disease. Therefore, it has been classified as a Variant of Uncertain Significance. Algorithms developed to predict the effect of missense changes on protein structure and function are either unavailable or do not agree on the potential impact of this missense change (SIFT: "Deleterious"; PolyPhen-2: "Possibly Damaging"; Align-GVGD: "Class C0"). ClinVar contains an entry for this variant (Variation ID: 640903). This variant is present in population databases (rs369042030, gnomAD 0.002%). This sequence change replaces arginine, which is basic and polar, with tryptophan, which is neutral and slightly polar, at codon 1048 of the SLC12A5 protein (p.Arg1048Trp).

NM_020708.5(SLC12A5):c.3142C>T (p.Arg1048Trp)

Gene: SLC12A5 (solute carrier family 12 member 5; plus strand). Cytogenetic location: 20q13.12.
Variant type: single nucleotide variant.
Coding change: c.3142C>T on transcript NM_020708.5 (MANE Select); coding-DNA position 3142, C replaced by T.
Protein change: p.Arg1048Trp; replaces arginine 1048 with tryptophan.
Molecular consequence: missense variant.
Genome position (GRCh38, 1-based): chr20:46,057,186, C>T. VCF-style: chr20-46057186-C-T. GRCh37 (hg19) VCF-style: chr20-44685825-C-T.
Other names: c.3211C>T, p.Arg1071Trp (NM_001134771.2); short protein forms R1048W, R1071W.
Identifiers: ClinVar variation 640903 (VCV000640903.10), dbSNP rs369042030, ClinGen allele CA315645193.